The following is an entry in ClinVar:

ClinVar aggregate classification (germline): Conflicting classifications of pathogenicity. Review status: criteria provided, conflicting classifications (1 of 4 stars). 4 submissions from 4 submitters: Uncertain significance (1); Benign (1); Likely benign (1). 1 of the submissions does not count toward it. Last evaluated 2026-01-19.

Conditions:
Neuroblastoma, susceptibility to, 3. Also called: ALK-Related Neuroblastic Tumor Susceptibility. Identifiers: Orphanet 635, MedGen C2751681, MONDO:0013083, OMIM 613014.
ALK-related disorder. Also called: ALK-related condition.
Hereditary cancer-predisposing syndrome. Also called: Hereditary neoplastic syndrome; Neoplastic Syndromes, Hereditary; Tumor predisposition; Hereditary Cancer Syndrome. Identifiers: Orphanet 140162, MedGen C0027672, MeSH D009386, MONDO:0015356.

Allele frequency attached by ClinVar (database versions not stated): TOPMed 0.00004; ExAC 0.00005; gnomAD exomes 0.00010; gnomAD 0.00013; 1000 Genomes Project 30x 0.00016; 1000 Genomes Project 0.00020.
gnomAD v4.1: 56 of 1,613,944 alleles (0.0035%); highest among the groups gnomAD compares: East Asian, 0.078%; no homozygotes.

Submissions (4):

Labcorp Genetics (formerly Invitae), Labcorp
Classification: Likely benign for Neuroblastoma, susceptibility to, 3. Last evaluated: 2026-01-19. Review status: criteria provided, single submitter. Criteria: Invitae Variant Classification Sherloc (09022015). Collection method: clinical testing. Allele origin: germline.

Ambry Genetics
Classification: Benign for Hereditary cancer-predisposing syndrome. Last evaluated: 2024-08-20. Review status: criteria provided, single submitter. Criteria: Ambry Variant Classification Scheme 2023. Collection method: clinical testing. Allele origin: germline.

GeneDx
Classification: Uncertain significance. Last evaluated: 2023-09-25. Review status: criteria provided, single submitter. Criteria: GeneDx Variant Classification Process June 2021. Collection method: clinical testing. Allele origin: germline. Affected: yes.
Comment: In silico analysis supports that this missense variant does not alter protein structure/function; Observed in a pediatric T-cell acute lymphoblastic leukemia patient (PMID: 31721781); This variant is associated with the following publications: (PMID: 31721781)

PreventionGenetics, part of Exact Sciences
Classification: Likely benign for ALK-related condition. Last evaluated: 2020-12-24. Review status: no assertion criteria provided. Collection method: clinical testing. Allele origin: germline. Not counted in ClinVar's aggregate classification.
Comment: This variant is classified as likely benign based on ACMG/AMP sequence variant interpretation guidelines (Richards et al. 2015 PMID: 25741868, with internal and published modifications).

NM_004304.5(ALK):c.1528C>T (p.Arg510Trp)

Gene: ALK (ALK receptor tyrosine kinase; minus strand). Cytogenetic location: 2p23.2.
Variant type: single nucleotide variant.
Coding change: c.1528C>T on transcript NM_004304.5 (MANE Select); coding-DNA position 1528, C replaced by T.
Protein change: p.Arg510Trp; replaces arginine 510 with tryptophan.
Molecular consequence: missense variant.
Genome position (GRCh38, 1-based): chr2:29,320,769, G>A on the plus strand (C>T on the coding strand, the complement: ALK is on the minus strand). VCF-style: chr2-29320769-G-A. GRCh37 (hg19) VCF-style: chr2-29543635-G-A.
Other names: short protein forms R510W.
Identifiers: ClinVar variation 470755 (VCV000470755.17), dbSNP rs201449759, ClinGen allele CA1594630.